The following is an entry in ClinVar:

NM_002128.7(HMGB1):c.579T>C (p.Asp193=)

Gene: HMGB1 (high mobility group box 1; minus strand). Cytogenetic location: 13q12.3.
Variant type: single nucleotide variant.
Coding change: c.579T>C on transcript NM_002128.7 (MANE Select); coding-DNA position 579, T replaced by C.
Protein change: p.Asp193=; no amino-acid change (aspartic acid 193 retained).
Molecular consequence: synonymous variant. On other transcripts: 3 prime UTR variant (2).
Genome position (GRCh38, 1-based): chr13:30,461,426, A>G on the plus strand (T>C on the coding strand, the complement: HMGB1 is on the minus strand). VCF-style: chr13-30461426-A-G. GRCh37 (hg19) VCF-style: chr13-31035563-A-G.
Other names: c.579T>C, p.Asp193= (NM_001313892.2, NM_001313893.1, NM_001370340.1 and 1 more transcripts); c.*152T>C (NM_001363661.2); c.*257T>C (NM_001370339.1).
Identifiers: ClinVar variation 2643711 (VCV002643711.24), dbSNP rs10444632, ClinGen allele CA6933835.

ClinVar aggregate classification (germline): Likely benign (1 of 4 stars; one submission).

Allele frequency attached by ClinVar (database versions not stated): 1000 Genomes Project 0.00020; gnomAD 0.00021; ExAC 0.00023; gnomAD exomes 0.00025.
gnomAD v4.1: 406 of 1,589,924 alleles (0.026%); highest among the groups gnomAD compares: Middle Eastern, 0.2%; no homozygotes.

Submission:

CeGaT Center for Human Genetics Tuebingen
Classification: Likely benign. Last evaluated: 2022-09-01. Review status: criteria provided, single submitter. Criteria: CeGaT Center For Human Genetics Tuebingen Variant Classification Criteria Version 2. Collection method: clinical testing. Allele origin: germline. Affected: yes. Observed: 1 variant allele.
Comment: HMGB1: BP4, BP7